The following is an entry in ClinVar:

ClinVar aggregate classification (germline): Pathogenic. Review status: criteria provided, multiple submitters, no conflicts (2 of 4 stars). 2 submissions from 2 submitters: Pathogenic (2). Last evaluated 2023-02-03.

Conditions:
Ornithine carbamoyltransferase deficiency (OTCD). Also called: OTC DEFICIENCY; ORNITHINE TRANSCARBAMYLASE DEFICIENCY; ORNITHINE TRANSCARBAMYLASE DEFICIENCY, HYPERAMMONEMIA DUE TO; Ornithine Carbamoyltransferase Deficiency Disease. Identifiers: Orphanet 664, MedGen C0268542, MONDO:0010703, OMIM 311250.

Allele frequency attached by ClinVar (database versions not stated): gnomAD exomes below 0.00001 and 0.00001.
gnomAD v4.1: 1 of 1,200,949 alleles (0.000083%); highest among the groups gnomAD compares: Non-Finnish European, 0.00011%; no homozygotes.

Submissions (2):

Revvity Omics, Revvity
Classification: Pathogenic for Ornithine carbamoyltransferase deficiency. Last evaluated: 2023-02-03. Review status: criteria provided, single submitter. Criteria: ACMG Guidelines, 2015. Collection method: clinical testing. Allele origin: germline.

Labcorp Genetics (formerly Invitae), Labcorp
Classification: Pathogenic for Ornithine carbamoyltransferase deficiency. Last evaluated: 2021-08-03. Review status: criteria provided, single submitter. Criteria: Invitae Variant Classification Sherloc (09022015). Collection method: clinical testing. Allele origin: germline.
Comment: For these reasons, this variant has been classified as Pathogenic. Algorithms developed to predict the effect of sequence changes on RNA splicing suggest that this variant may disrupt the consensus splice site. Disruption of this splice site has been observed in individual(s) with ornithine transcarbamylase deficiency (PMID: 8566955, 31426867). This variant is not present in population databases (ExAC no frequency). This sequence change affects a donor splice site in intron 5 of the OTC gene. It is expected to disrupt RNA splicing. Variants that disrupt the donor or acceptor splice site typically lead to a loss of protein function (PMID: 16199547), and loss-of-function variants in OTC are known to be pathogenic (PMID: 10946359, 16786505).

Literature cited by the submitters: PubMed 8566955 (cited by Labcorp Genetics (formerly Invitae), Labcorp); PubMed 31426867 (cited by Labcorp Genetics (formerly Invitae), Labcorp); PubMed 16199547 (cited by Labcorp Genetics (formerly Invitae), Labcorp); PubMed 10946359 (cited by Labcorp Genetics (formerly Invitae), Labcorp); PubMed 16786505 (cited by Labcorp Genetics (formerly Invitae), Labcorp).

NM_000531.6(OTC):c.540+1G>A

Gene: OTC (ornithine transcarbamylase; plus strand). Cytogenetic location: Xp11.4.
Variant type: single nucleotide variant.
Coding change: c.540+1G>A on transcript NM_000531.6 (MANE Select); the canonical splice donor site of the intron after coding-DNA position 540, G replaced by A.
Molecular consequence: splice donor variant.
Genome position (GRCh38, 1-based): chrX:38,401,429, G>A. VCF-style: chrX-38401429-G-A. GRCh37 (hg19) VCF-style: chrX-38260682-G-A.
Other names: c.540+1G>A (NM_001407092.1).
Identifiers: ClinVar variation 1458773 (VCV001458773.10), dbSNP rs72556288, ClinGen allele CA412724226.